The following is an entry in ClinVar:

NM_000257.4(MYH7):c.2248G>A (p.Asp750Asn)

Gene: MYH7 (myosin heavy chain 7; minus strand). Cytogenetic location: 14q11.2.
Variant type: single nucleotide variant.
Coding change: c.2248G>A on transcript NM_000257.4 (MANE Select); coding-DNA position 2248, G replaced by A.
Protein change: p.Asp750Asn; replaces aspartic acid 750 with asparagine.
Molecular consequence: missense variant.
Genome position (GRCh38, 1-based): chr14:23,425,733, C>T on the plus strand (G>A on the coding strand, the complement: MYH7 is on the minus strand). VCF-style: chr14-23425733-C-T. GRCh37 (hg19) VCF-style: chr14-23894942-C-T.
Other names: c.2248G>A, p.Asp750Asn (NM_001407004.1); short protein forms D750N.
Identifiers: ClinVar variation 3625095 (VCV003625095.3).

ClinVar aggregate classification (germline): Uncertain significance. Review status: criteria provided, multiple submitters, no conflicts (2 of 4 stars). 2 submissions from 2 submitters: Uncertain significance (2). Last evaluated 2025-01-17.

Conditions:
Hypertrophic cardiomyopathy. Also called: HYPERTROPHIC MYOCARDIOPATHY. Identifiers: Orphanet 217569, MedGen C0007194, MeSH D002312, MONDO:0005045, HP:0001639.

Submissions (2):

Labcorp Genetics (formerly Invitae), Labcorp
Classification: Uncertain significance for Hypertrophic cardiomyopathy. Last evaluated: 2025-01-17. Review status: criteria provided, single submitter. Criteria: Invitae Variant Classification Sherloc (09022015). Collection method: clinical testing. Allele origin: germline.
Comment: This sequence change replaces aspartic acid, which is acidic and polar, with asparagine, which is neutral and polar, at codon 750 of the MYH7 protein (p.Asp750Asn). This variant is not present in population databases (gnomAD no frequency). This variant has not been reported in the literature in individuals affected with MYH7-related conditions. Invitae Evidence Modeling of protein sequence and biophysical properties (such as structural, functional, and spatial information, amino acid conservation, physicochemical variation, residue mobility, and thermodynamic stability) indicates that this missense variant is expected to disrupt MYH7 protein function with a positive predictive value of 95%. In summary, the available evidence is currently insufficient to determine the role of this variant in disease. Therefore, it has been classified as a Variant of Uncertain Significance.

GeneDx
Classification: Uncertain significance. Last evaluated: 2025-01-15. Review status: criteria provided, single submitter. Criteria: GeneDx Variant Classification Process June 2021. Collection method: clinical testing. Allele origin: germline. Affected: yes.
Comment: Not observed at significant frequency in large population cohorts (gnomAD); In silico analysis supports that this missense variant has a deleterious effect on protein structure/function; Has not been previously published as pathogenic or benign to our knowledge; This variant is associated with the following publications: (PMID: 27532257, 29300372)